The following is an entry in ClinVar:

NM_000135.4(FANCA):c.2587G>A (p.Gly863Ser)

Gene: FANCA (FA complementation group A; minus strand). Cytogenetic location: 16q24.3.
Variant type: single nucleotide variant.
Coding change: c.2587G>A on transcript NM_000135.4 (MANE Select); coding-DNA position 2587, G replaced by A.
Protein change: p.Gly863Ser; replaces glycine 863 with serine.
Molecular consequence: missense variant.
Genome position (GRCh38, 1-based): chr16:89,767,155, C>T on the plus strand (G>A on the coding strand, the complement: FANCA is on the minus strand). VCF-style: chr16-89767155-C-T. GRCh37 (hg19) VCF-style: chr16-89833563-C-T.
Other names: c.2587G>A, p.Gly863Ser (NM_001286167.3); short protein forms G863S.
Identifiers: ClinVar variation 838719 (VCV000838719.8), dbSNP rs2039157272, ClinGen allele CA397440407.

ClinVar aggregate classification (germline): Uncertain significance. Review status: criteria provided, multiple submitters, no conflicts (2 of 4 stars). 3 submissions from 3 submitters: Uncertain significance (3). Last evaluated 2025-01-31.

Conditions:
Fanconi anemia (FA). Also called: Fanconi's anemia. Identifiers: Orphanet 84, MedGen C0015625, MeSH D005199, MONDO:0019391.
Fanconi anemia complementation group A (FANCA). Also called: Fanconi anemia, group A; FANCA-Related Fanconi Anemia. Identifiers: Orphanet 84, MedGen C3469521, MONDO:0009215, OMIM 227650.
Inborn genetic diseases. Identifiers: MedGen C0950123, MeSH D030342.

Allele frequency attached by ClinVar (database versions not stated): gnomAD exomes 0.00001.
gnomAD v4.1: 19 of 1,612,234 alleles (0.0012%); highest among the groups gnomAD compares: Non-Finnish European, 0.0016%; no homozygotes.

Submissions (3):

Ambry Genetics
Classification: Uncertain significance for Inborn genetic diseases. Last evaluated: 2025-01-31. Review status: criteria provided, single submitter. Criteria: Ambry Variant Classification Scheme 2023. Collection method: clinical testing. Allele origin: germline.
Comment: The p.G863S variant (also known as c.2587G>A), located in coding exon 27 of the FANCA gene, results from a G to A substitution at nucleotide position 2587. The glycine at codon 863 is replaced by serine, an amino acid with similar properties. This amino acid position is conserved. In addition, this alteration is predicted to be tolerated by in silico analysis. Based on the available evidence, the clinical significance of this variant remains unclear.

St. Jude Molecular Pathology, St. Jude Children's Research Hospital
Classification: Uncertain significance for Fanconi anemia complementation group A. Last evaluated: 2022-01-03. Review status: criteria provided, single submitter. Criteria: St. Jude Assertion Criteria 2020. Collection method: clinical testing. Allele origin: germline.
Comment: The FANCA c.2587G>A (p.Gly863Ser) missense change is absent in gnomAD v2.1.1. The in silico tool REVEL is inconclusive about a pathogenic or benign effect of this variant on protein function, and to our knowledge functional studies have not been performed. To our knowledge, this variant has not been reported in individuals with Fanconi anemia. In summary, the evidence currently available is insufficient to determine the clinical significance of this variant. It has therefore been classified as of uncertain significance.

Labcorp Genetics (formerly Invitae), Labcorp
Classification: Uncertain significance for Fanconi anemia. Last evaluated: 2021-09-01. Review status: criteria provided, single submitter. Criteria: Invitae Variant Classification Sherloc (09022015). Collection method: clinical testing. Allele origin: germline.
Comment: This sequence change replaces glycine with serine at codon 863 of the FANCA protein (p.Gly863Ser). The glycine residue is weakly conserved and there is a small physicochemical difference between glycine and serine. This variant is not present in population databases (ExAC no frequency). This variant has not been reported in the literature in individuals affected with FANCA-related conditions. Algorithms developed to predict the effect of missense changes on protein structure and function are either unavailable or do not agree on the potential impact of this missense change (SIFT: "Tolerated"; PolyPhen-2: "Possibly Damaging"; Align-GVGD: "Class C0"). Algorithms developed to predict the effect of sequence changes on RNA splicing suggest that this variant may create or strengthen a splice site. In summary, the available evidence is currently insufficient to determine the role of this variant in disease. Therefore, it has been classified as a Variant of Uncertain Significance.